The following is an entry in ClinVar:

NM_017825.3(ADPRS):c.993del (p.Met332fs)

Gene: ADPRS (ADP-ribosylserine hydrolase; plus strand). Cytogenetic location: 1p34.3.
Variant type: Deletion.
Coding change: c.993del on transcript NM_017825.3 (MANE Select); coding-DNA position 993, one base deleted (G; older notation c.993delG).
Protein change: p.Met332fs; shifts the reading frame from methionine 332.
Molecular consequence: frameshift variant.
Genome position (GRCh38, 1-based): chr1:36,093,287, G deleted; the last of 3 consecutive G bases (chr1:36,093,285-36,093,287); deleting any one gives the same sequence. VCF-style (leftmost placement, unchanged base first): chr1-36093284-TG-T. GRCh37 (hg19) VCF-style: chr1-36558885-TG-T.
Other names: short protein forms M332fs.
Identifiers: ClinVar variation 4854030 (VCV004854030.1).

ClinVar aggregate classification (germline): Uncertain significance (1 of 4 stars; one submission).

Conditions:
Neurodegeneration, childhood-onset, stress-induced, with variable ataxia and seizures. Identifiers: Orphanet 694922, MedGen C4748527, MONDO:0100095, OMIM 618170.

Submission:

3billion
Classification: Uncertain significance for Neurodegeneration, childhood-onset, stress-induced, with variable ataxia and seizures. Last evaluated: 2025-09-30. Review status: criteria provided, single submitter. Criteria: ACMG Guidelines, 2015. Collection method: clinical testing. Allele origin: germline. Affected: yes.
Comment: The variant is observed at an extremely low frequency in the gnomAD v4.1.0 dataset (total allele frequency: 0.005%). Predicted Consequence/Location: Frameshift: predicted to result in a loss or disruption of normal protein function through protein truncation. The predicted truncated protein may be shortened by less than 10%. Therefore, this variant is classified as VUS according to the recommendation of ACMG/AMP guideline.